The following is an entry in ClinVar:

ClinVar aggregate classification (germline): Conflicting classifications of pathogenicity. Review status: criteria provided, conflicting classifications (1 of 4 stars). 3 submissions from 3 submitters: Uncertain significance (2); Likely benign (1). Last evaluated 2023-03-23.

Conditions:
Hereditary breast ovarian cancer syndrome. Also called: Hereditary breast and ovarian cancer syndrome (HBOC); Hereditary breast and ovarian cancer syndrome; Breast and ovarian cancer; Hereditary breast and/or ovarian cancer syndrome; Hereditary breast and ovarian cancer; BRCA1- and BRCA2-Associated Hereditary Breast and Ovarian Cancer. Identifiers: Orphanet 145, MedGen C0677776, MeSH D061325, MONDO:0003582. Disease mechanism: loss of function.
Hereditary cancer-predisposing syndrome. Also called: Neoplastic Syndromes, Hereditary; Hereditary Cancer Syndrome; Hereditary neoplastic syndrome; Tumor predisposition. Identifiers: Orphanet 140162, MedGen C0027672, MeSH D009386, MONDO:0015356.

Submissions (3):

University of Washington Department of Laboratory Medicine, University of Washington
Classification: Likely benign for Hereditary cancer-predisposing syndrome. Last evaluated: 2023-03-23. Review status: criteria provided, single submitter. Criteria: Dines et al. (Genet Med. 2020). Collection method: curation. Allele origin: germline.
Comment: Missense variant in a coldspot region where missense variants are very unlikely to be pathogenic (PMID:31911673).

BRCA1 coldspot (exon 11 using historical exon numbering). Reclassification based on statistical prior probability

Labcorp Genetics (formerly Invitae), Labcorp
Classification: Uncertain significance for Hereditary breast ovarian cancer syndrome. Last evaluated: 2021-07-14. Review status: criteria provided, single submitter. Criteria: Invitae Variant Classification Sherloc (09022015). Collection method: clinical testing. Allele origin: germline.
Comment: In summary, this variant is a novel missense change that is not predicted to affect protein function. There is no indication that it causes disease, but the available evidence is currently insufficient to prove that conclusively. Therefore, it has been classified as a Variant of Uncertain Significance. Algorithms developed to predict the effect of missense changes on protein structure and function output the following: SIFT: "Tolerated"; PolyPhen-2: "Benign"; Align-GVGD: "Class C0". The valine amino acid residue is found in multiple mammalian species, suggesting that this missense change does not adversely affect protein function. These predictions have not been confirmed by published functional studies. This variant is not present in population databases (ExAC no frequency) and has not been reported in the literature in individuals with a BRCA1-related disease. This sequence change replaces alanine with valine at codon 806 of the BRCA1 protein (p.Ala806Val). The alanine residue is weakly conserved and there is a small physicochemical difference between alanine and valine.

Quest Diagnostics Nichols Institute San Juan Capistrano
Classification: Uncertain significance. Last evaluated: 2019-05-29. Review status: criteria provided, single submitter. Criteria: Quest Diagnostics criteria. Collection method: clinical testing. Allele origin: germline.

NM_007294.4(BRCA1):c.2417C>T (p.Ala806Val)

Gene: BRCA1 (BRCA1 DNA repair associated; minus strand). Cytogenetic location: 17q21.31.
Variant type: single nucleotide variant.
Coding change: c.2417C>T on transcript NM_007294.4 (MANE Select); coding-DNA position 2417, C replaced by T.
Protein change: p.Ala806Val; replaces alanine 806 with valine.
Molecular consequence: missense variant. On other transcripts: intron variant (137).
Genome position (GRCh38, 1-based): chr17:43,093,114, G>A on the plus strand (C>T on the coding strand, the complement: BRCA1 is on the minus strand). VCF-style: chr17-43093114-G-A. GRCh37 (hg19) VCF-style: chr17-41245131-G-A.
Other names: c.2294C>T, p.Ala765Val (NM_001407937.1, NM_001407675.1, NM_001407676.1 and 19 more transcripts); c.2291C>T, p.Ala764Val (NM_001407940.1, NM_001407941.1, NM_001407685.1 and 11 more transcripts); c.2273C>T, p.Ala758Val (NM_001407943.1, NM_001407740.1, NM_001407741.1 and 20 more transcripts); c.2276C>T, p.Ala759Val (NM_001407942.1, NM_001407692.1, NM_001407694.1 and 29 more transcripts); c.2417C>T, p.Ala806Val (NM_001407684.1, NM_001407854.1, NM_001407858.1 and 30 more transcripts); c.2204C>T, p.Ala735Val (NM_001407853.1, NM_001407894.1, NM_001407895.1 and 9 more transcripts); c.2414C>T, p.Ala805Val (NM_001407860.1, NM_001407861.1, NM_001407587.1 and 22 more transcripts); c.2216C>T, p.Ala739Val (NM_001407862.1); and 41 more; short protein forms A806V, A759V, A638V, A735V, A736V, A738V, A764V, A779V.
Identifiers: ClinVar variation 462585 (VCV000462585.14), dbSNP rs1555589705, ClinGen allele CA10597172.